The following is an entry in ClinVar:

NM_002230.4(JUP):c.1121G>A (p.Trp374Ter)

Gene: JUP (junction plakoglobin; minus strand). Cytogenetic location: 17q21.2.
Variant type: single nucleotide variant.
Coding change: c.1121G>A on transcript NM_002230.4 (MANE Select); coding-DNA position 1121, G replaced by A.
Protein change: p.Trp374Ter; replaces tryptophan 374 with a stop codon.
Molecular consequence: nonsense.
Genome position (GRCh38, 1-based): chr17:41,764,750, C>T on the plus strand (G>A on the coding strand, the complement: JUP is on the minus strand). VCF-style: chr17-41764750-C-T. GRCh37 (hg19) VCF-style: chr17-39921002-C-T.
Other names: c.1121G>A, p.Trp374Ter (NM_001352773.2, NM_001352774.2, NM_001352775.2 and 3 more transcripts); short protein forms W374*.
Identifiers: ClinVar variation 2953146 (VCV002953146.3), dbSNP rs2544127550, ClinGen allele CA399498740.

ClinVar aggregate classification (germline): Pathogenic (1 of 4 stars; one submission).

Conditions:
Arrhythmogenic right ventricular dysplasia 12. Also called: ARRHYTHMOGENIC RIGHT VENTRICULAR DYSPLASIA, FAMILIAL, 12. Identifiers: MedGen C1969081, MONDO:0012684, OMIM 611528.
Naxos disease (NXD). Also called: WOOLLY HAIR, PALMOPLANTAR KERATODERMA, AND CARDIAC ABNORMALITIES; CARDIOMYOPATHY, ARRHYTHMOGENIC RIGHT VENTRICULAR, WITH SKIN, HAIR, AND NAIL ABNORMALITIES; KERATOSIS PALMOPLANTARIS WITH ARRHYTHMOGENIC CARDIOMYOPATHY; MAL DE NAXOS; PALMOPLANTAR KERATODERMA WITH ARRHYTHMOGENIC RIGHT VENTRICULAR CARDIOMYOPATHY AND WOOLLY HAIR. Identifiers: Orphanet 34217, MedGen C1832600, MONDO:0011017, OMIM 601214.

Submission:

Labcorp Genetics (formerly Invitae), Labcorp
Classification: Pathogenic for Arrhythmogenic right ventricular dysplasia 12; Naxos disease. Last evaluated: 2023-10-22. Review status: criteria provided, single submitter. Criteria: Invitae Variant Classification Sherloc (09022015). Collection method: clinical testing. Allele origin: germline.
Comment: This sequence change creates a premature translational stop signal (p.Trp374*) in the JUP gene. It is expected to result in an absent or disrupted protein product. Loss-of-function variants in JUP are known to be pathogenic (PMID: 10902626). This variant is not present in population databases (gnomAD no frequency). This variant has not been reported in the literature in individuals affected with JUP-related conditions. For these reasons, this variant has been classified as Pathogenic.

Literature cited by the submitters: PubMed 10902626.